The following is an entry in ClinVar:

ClinVar aggregate classification (germline): Uncertain significance (1 of 4 stars; one submission).

Conditions:
TET3-related disorder. Also called: TET3-related condition; TET3-Related Disease.

gnomAD v4.1: 1 of 1,561,770 alleles (0.000064%); highest among the groups gnomAD compares: Non-Finnish European, 0.000087%; no homozygotes.

Submission:

PreventionGenetics, part of Exact Sciences
Classification: Uncertain significance for TET3-related condition. Last evaluated: 2026-03-04. Review status: criteria provided, single submitter. Criteria: ACMG Guidelines, 2015. Collection method: clinical testing. Allele origin: germline.
Comment: The TET3 c.2866C>T variant is predicted to result in the amino acid substitution p.Arg956Trp. To our knowledge, this variant has not been reported in the literature. An alternate missense variant affecting this amino acid (c.2867G>A, p.Arg956Gln) was reported de novo in an individual with macrocephaly, mild neurodevelopmental delay and a long history of epilepsy (Foti et al. 2024. PubMed ID: 39273623). This variant is reported in 0.0% of alleles in individuals of African descent in gnomAD. At this time, the clinical significance of this variant is uncertain due to the absence of conclusive functional and genetic evidence.

NM_001287491.2(TET3):c.2866C>T (p.Arg956Trp)

Gene: TET3 (tet methylcytosine dioxygenase 3; plus strand). Cytogenetic location: 2p13.1.
Variant type: single nucleotide variant.
Coding change: c.2866C>T on transcript NM_001287491.2 (MANE Select); coding-DNA position 2866, C replaced by T.
Protein change: p.Arg956Trp; replaces arginine 956 with tryptophan.
Molecular consequence: missense variant.
Genome position (GRCh38, 1-based): chr2:74,088,016, C>T. VCF-style: chr2-74088016-C-T. GRCh37 (hg19) VCF-style: chr2-74315143-C-T.
Other names: c.2587C>T, p.Arg863Trp (NM_001366022.1); short protein forms R956W, R863W.
Identifiers: ClinVar variation 4991935 (VCV004991935.1).
Genomic context (GRCh38, chr2:74,088,016, plus strand): 5'-GGAGACACCCTCTACCAGGAGCTCACCGACACCCTCCGGAAGTATGGGAACCCCACCAGC[C>T]GGAGATGCGGCCTCAACGATGAGTATGTAGCAGAGGGCTTCAGGGCCAGGGCCCACCTAT-3'
Protein context (NP_001274420.1, residues 946-966): TLRKYGNPTS[Arg956Trp]RCGLNDDRTC